The following is an entry in ClinVar:

ClinVar aggregate classification (germline): Uncertain significance (1 of 4 stars; one submission).

Submission:

GeneDx
Classification: Uncertain significance. Last evaluated: 2022-02-22. Review status: criteria provided, single submitter. Criteria: GeneDx Variant Classification Process June 2021. Collection method: clinical testing. Allele origin: germline. Affected: yes.
Comment: Not observed at significant frequency in large population cohorts (gnomAD); In silico analysis supports that this missense variant does not alter protein structure/function; Has not been previously published as pathogenic or benign to our knowledge

NM_001379110.1(SLC9A6):c.1438A>C (p.Met480Leu)

Gene: SLC9A6 (solute carrier family 9 member A6; plus strand). Cytogenetic location: Xq26.3.
Variant type: single nucleotide variant.
Coding change: c.1438A>C on transcript NM_001379110.1 (MANE Select); coding-DNA position 1438, A replaced by C.
Protein change: p.Met480Leu; replaces methionine 480 with leucine.
Molecular consequence: missense variant.
Genome position (GRCh38, 1-based): chrX:136,024,461, A>C. VCF-style: chrX-136024461-A-C. GRCh37 (hg19) VCF-style: chrX-135106620-A-C.
Other names: c.1594A>C, p.Met532Leu (NM_001042537.2); c.1438A>C, p.Met480Leu (NM_001177651.2, NM_001400909.1, NM_001400910.1 and 2 more transcripts); c.1342A>C, p.Met448Leu (NM_001330652.2, NM_001400913.1); c.1498A>C, p.Met500Leu (NM_006359.3); short protein forms M448L, M480L, M500L, M532L.
Identifiers: ClinVar variation 1702731 (VCV001702731.2), dbSNP rs2148190021, ClinGen allele CA414754802.